The following is an entry in ClinVar:

ClinVar aggregate classification (germline): Conflicting classifications of pathogenicity. Review status: criteria provided, conflicting classifications (1 of 4 stars). 5 submissions from 5 submitters: Uncertain significance (3); Benign (1); Likely benign (1). Last evaluated 2025-12-09.

Conditions:
Hereditary cancer-predisposing syndrome. Also called: Hereditary neoplastic syndrome; Neoplastic Syndromes, Hereditary; Tumor predisposition; Hereditary Cancer Syndrome. Identifiers: Orphanet 140162, MedGen C0027672, MeSH D009386, MONDO:0015356.
Tuberous sclerosis syndrome (TSC). Also called: Tuberous sclerosis; Tuberous Sclerosis Complex. Identifiers: Orphanet 805, MedGen C0041341, MONDO:0001734.
Tuberous sclerosis 2 (TSC2). Identifiers: Orphanet 805, MedGen C1860707, MONDO:0013199, OMIM 613254.

Allele frequency attached by ClinVar (database versions not stated): gnomAD 0.00001.
gnomAD v4.1: 15 of 1,613,616 alleles (0.00093%); highest among the groups gnomAD compares: African/African-American, 0.0027%; no homozygotes.

Submissions (5):

Ambry Genetics
Classification: Likely benign for Hereditary cancer-predisposing syndrome. Last evaluated: 2025-12-09. Review status: criteria provided, single submitter. Criteria: Ambry Variant Classification Scheme 2023. Collection method: clinical testing. Allele origin: germline.

Labcorp Genetics (formerly Invitae), Labcorp
Classification: Benign for Tuberous sclerosis 2. Last evaluated: 2025-08-02. Review status: criteria provided, single submitter. Criteria: Invitae Variant Classification Sherloc (09022015). Collection method: clinical testing. Allele origin: germline.

Quest Diagnostics Nichols Institute San Juan Capistrano
Classification: Uncertain significance. Last evaluated: 2025-07-07. Review status: criteria provided, single submitter. Criteria: Quest Diagnostics criteria. Collection method: clinical testing. Allele origin: unknown.

ARUP Laboratories, Molecular Genetics and Genomics, ARUP Laboratories
Classification: Uncertain significance. Last evaluated: 2025-05-02. Review status: criteria provided, single submitter. Criteria: ARUP Molecular Germline Variant Investigation Process 2024. Collection method: clinical testing. Allele origin: germline.
Comment: The TSC2 c.1624C>T; p.Pro542Ser variant (rs891347695), to our knowledge, is not reported in the medical literature but is reported in ClinVar (Variation ID: 1000572). This variant is also absent from the Genome Aggregation Database (v2.1.1). Computational analyses are uncertain whether this variant is neutral or deleterious (REVEL: 0.216). Due to limited information, the clinical significance of this variant is uncertain at this time.

All of Us Research Program, National Institutes of Health
Classification: Uncertain significance for Tuberous sclerosis syndrome. Last evaluated: 2023-11-30. Review status: criteria provided, single submitter. Criteria: ACMG Guidelines, 2015. Collection method: clinical testing. Allele origin: germline. Inheritance: Autosomal dominant inheritance. Observed: 1 variant allele, 1 heterozygote.
Comment: This study involves interpretation of variants in research participants for the purpose of population health screening. Participant phenotype was not available at the time of variant classification. Additional details can be found in publication PMID: 35346344, PMCID: PMC8962531

NM_000548.5(TSC2):c.1624C>T (p.Pro542Ser)

Gene: TSC2 (TSC complex subunit 2; plus strand). Cytogenetic location: 16p13.3.
Variant type: single nucleotide variant.
Coding change: c.1624C>T on transcript NM_000548.5 (MANE Select); coding-DNA position 1624, C replaced by T.
Protein change: p.Pro542Ser; replaces proline 542 with serine.
Molecular consequence: missense variant.
Genome position (GRCh38, 1-based): chr16:2,065,543, C>T. VCF-style: chr16-2065543-C-T. GRCh37 (hg19) VCF-style: chr16-2115544-C-T.
Other names: c.1024C>T, p.Pro342Ser (NM_001318831.2); c.1657C>T, p.Pro553Ser (NM_001318832.2); c.1624C>T, p.Pro542Ser (NM_001363528.2, NM_001370404.1, NM_001370405.1 and 3 more transcripts); c.1624C>T (NM_000548.3); c.1513C>T, p.Pro505Ser (NM_001318827.2); c.1477C>T, p.Pro493Ser (NM_001318829.2); short protein forms P342S, P493S, P505S, P542S, P553S.
Identifiers: ClinVar variation 1000572 (VCV001000572.15), dbSNP rs891347695, ClinGen allele CA276731038.